The following is an entry in ClinVar:

NM_001110556.2(FLNA):c.15C>G (p.His5Gln)

Gene: FLNA (filamin A; minus strand). Cytogenetic location: Xq28.
Variant type: single nucleotide variant.
Coding change: c.15C>G on transcript NM_001110556.2 (MANE Select); coding-DNA position 15, C replaced by G.
Protein change: p.His5Gln; replaces histidine 5 with glutamine.
Molecular consequence: missense variant.
Genome position (GRCh38, 1-based): chrX:154,371,231, G>C on the plus strand (C>G on the coding strand, the complement: FLNA is on the minus strand). VCF-style: chrX-154371231-G-C. GRCh37 (hg19) VCF-style: chrX-153599599-G-C.
Other names: c.15C>G, p.His5Gln (NM_001456.4); short protein forms H5Q.
Identifiers: ClinVar variation 4789613 (VCV004789613.1).

ClinVar aggregate classification (germline): Uncertain significance (1 of 4 stars; one submission).

Conditions:
Heterotopia, periventricular, X-linked dominant (PVNH1). Also called: PERIVENTRICULAR NODULAR HETEROTOPIA 4; HETEROTOPIA, PERIVENTRICULAR, 1; PERIVENTRICULAR NODULAR HETEROTOPIA 1; X-linked periventricular heterotopia. Identifiers: Orphanet 2149, Orphanet 82004, MedGen C1848213, MONDO:0010233, OMIM 300049.
Oto-palato-digital syndrome, type II (OPD2). Also called: Otopalatodigital Syndrome, Type II; FACIOPALATOOSSEOUS SYNDROME; OPD II SYNDROME; Otopalatodigital Syndrome Type 2 (FLNA-OPD2). Identifiers: Orphanet 669, Orphanet 90652, MedGen C1844696, MONDO:0010571, OMIM 304120.
Melnick-Needles syndrome (MNS). Also called: MELNICK-NEEDLES OSTEODYSPLASTY; OSTEODYSPLASTY OF MELNICK AND NEEDLES; Melnick-Needles Syndrome (FLNA-MNS). Identifiers: Orphanet 2484, MedGen C0025237, MONDO:0010650, OMIM 309350.
Frontometaphyseal dysplasia (FMD1). Identifiers: Orphanet 1826, MedGen C0265293, MONDO:0015942.

gnomAD v4.1: 1 of 1,202,163 alleles (0.000083%); highest among the groups gnomAD compares: East Asian, 0.003%; no homozygotes.

Submission:

Labcorp Genetics (formerly Invitae), Labcorp
Classification: Uncertain significance for Oto-palato-digital syndrome, type II; Heterotopia, periventricular, X-linked dominant; Frontometaphyseal dysplasia; Melnick-Needles syndrome. Last evaluated: 2025-10-09. Review status: criteria provided, single submitter. Criteria: Invitae Variant Classification Sherloc (09022015). Collection method: clinical testing. Allele origin: germline.
Comment: This sequence change replaces histidine, which is basic and polar, with glutamine, which is neutral and polar, at codon 5 of the FLNA protein (p.His5Gln). This variant is not present in population databases (gnomAD no frequency). This variant has not been reported in the literature in individuals affected with FLNA-related conditions. Invitae Evidence Modeling of protein sequence and biophysical properties (such as structural, functional, and spatial information, amino acid conservation, physicochemical variation, residue mobility, and thermodynamic stability) indicates that this missense variant is not expected to disrupt FLNA protein function with a negative predictive value of 95%. In summary, the available evidence is currently insufficient to determine the role of this variant in disease. Therefore, it has been classified as a Variant of Uncertain Significance.